The following is an entry in ClinVar:

NM_015164.4(PLEKHM2):c.3016G>A (p.Asp1006Asn)

Gene: PLEKHM2 (pleckstrin homology and RUN domain containing M2; plus strand). Cytogenetic location: 1p36.21.
Variant type: single nucleotide variant.
Coding change: c.3016G>A on transcript NM_015164.4 (MANE Select); coding-DNA position 3016, G replaced by A.
Protein change: p.Asp1006Asn; replaces aspartic acid 1006 with asparagine.
Molecular consequence: missense variant.
Genome position (GRCh38, 1-based): chr1:15,733,890, G>A. VCF-style: chr1-15733890-G-A. GRCh37 (hg19) VCF-style: chr1-16060385-G-A.
Other names: c.2956G>A, p.Asp986Asn (NM_001410755.1); short protein forms D1006N, D986N.
Identifiers: ClinVar variation 2183302 (VCV002183302.4), dbSNP rs200317823, ClinGen allele CA617429.
Genomic context (GRCh38, chr1:15,733,890, plus strand): 5'-TCCAACAAGAAGAAATTCGAGGATGCCTTGAGCCTCATCCACAGCGCCTGGCAGCGGAGC[G>A]ACAGTCTCTGCCGCGGCCGAGCCTCCCGAGACCCCTGGTGCTGAGGCAGAGCTGGTTGGC-3'
Protein context (NP_055979.2, residues 996-1016): SLIHSAWQRS[Asp1006Asn]SLCRGRASRD

ClinVar aggregate classification (germline): Uncertain significance (1 of 4 stars; one submission).

Allele frequency attached by ClinVar (database versions not stated): TOPMed below 0.00001; ExAC 0.00001; gnomAD exomes 0.00001.
gnomAD v4.1: 13 of 1,612,870 alleles (0.00081%); highest among the groups gnomAD compares: East Asian, 0.0045%; no homozygotes.

Submission:

Labcorp Genetics (formerly Invitae), Labcorp
Classification: Uncertain significance. Last evaluated: 2022-09-27. Review status: criteria provided, single submitter. Criteria: Invitae Variant Classification Sherloc (09022015). Collection method: clinical testing. Allele origin: germline.
Comment: In summary, the available evidence is currently insufficient to determine the role of this variant in disease. Therefore, it has been classified as a Variant of Uncertain Significance. Algorithms developed to predict the effect of missense changes on protein structure and function are either unavailable or do not agree on the potential impact of this missense change (SIFT: "Tolerated"; PolyPhen-2: "Probably Damaging"; Align-GVGD: "Class C0"). This variant has not been reported in the literature in individuals affected with PLEKHM2-related conditions. This variant is present in population databases (rs200317823, gnomAD 0.01%). This sequence change replaces aspartic acid, which is acidic and polar, with asparagine, which is neutral and polar, at codon 1006 of the PLEKHM2 protein (p.Asp1006Asn).